The following is an entry in ClinVar:

ClinVar aggregate classification (germline): Likely benign (0 of 4 stars; one submission).

Conditions:
TRPV4-related disorder. Also called: TRPV4-related disorders; TRPV4-related condition.

gnomAD v4.1: 3 of 1,613,630 alleles (0.00019%); highest among the groups gnomAD compares: South Asian, 0.0022%; no homozygotes.

Submission:

PreventionGenetics, part of Exact Sciences
Classification: Likely benign for TRPV4-related condition. Last evaluated: 2019-11-06. Review status: no assertion criteria provided. Collection method: clinical testing. Allele origin: germline.
Comment: This variant is classified as likely benign based on ACMG/AMP sequence variant interpretation guidelines (Richards et al. 2015 PMID: 25741868, with internal and published modifications).

NM_021625.5(TRPV4):c.1185G>A (p.Thr395=)

Gene: TRPV4 (transient receptor potential cation channel subfamily V member 4; minus strand). Cytogenetic location: 12q24.11.
Variant type: single nucleotide variant.
Coding change: c.1185G>A on transcript NM_021625.5 (MANE Select); coding-DNA position 1185, G replaced by A.
Protein change: p.Thr395=; no amino-acid change (threonine 395 retained).
Molecular consequence: synonymous variant. On other transcripts: intron variant (2).
Genome position (GRCh38, 1-based): chr12:109,796,672, C>T on the plus strand (G>A on the coding strand, the complement: TRPV4 is on the minus strand). VCF-style: chr12-109796672-C-T. GRCh37 (hg19) VCF-style: chr12-110234477-C-T.
Other names: c.1044G>A, p.Thr348= (NM_001177428.2); c.1083G>A, p.Thr361= (NM_001177431.2); c.1011+1942G>A (NM_001177433.1); c.1152+1942G>A (NM_147204.2).
Identifiers: ClinVar variation 3354555 (VCV003354555.1).
Genomic context (GRCh38, chr12:109,796,672, plus strand): 5'-ATACACTGGCCCATAGGCCCAGTCCTTGAACTTGCGGGACAGGTGCCGTGTGTCCTCATC[C>T]GTCACCTCCCGCCGGATGATGTGCTGAAAGATCTGCACAGGGGGCCAGGAGGGTCAGGGG-3'
Protein context (NP_067638.3, residues 385-405): IFQHIIRREV[Thr395=]DEDTRHLSRK